The following is an entry in ClinVar:

NM_000441.2(SLC26A4):c.1437+2T>G

Gene: SLC26A4 (solute carrier family 26 member 4; plus strand). Cytogenetic location: 7q22.3.
Variant type: single nucleotide variant.
Coding change: c.1437+2T>G on transcript NM_000441.2 (MANE Select); the canonical splice donor site of the intron after coding-DNA position 1437, T replaced by G.
Molecular consequence: splice donor variant.
Genome position (GRCh38, 1-based): chr7:107,694,718, T>G. VCF-style: chr7-107694718-T-G. GRCh37 (hg19) VCF-style: chr7-107335163-T-G.
Identifiers: ClinVar variation 43508 (VCV000043508.20), dbSNP rs397516418, ClinGen allele CA261412.

ClinVar aggregate classification (germline): Pathogenic/Likely pathogenic. Review status: criteria provided, multiple submitters, no conflicts (2 of 4 stars). 9 submissions from 8 submitters: Pathogenic (3); Likely pathogenic (5). 1 of the submissions does not count toward it. Last evaluated 2025-05-11.

Conditions:
SLC26A4-related disorder. Also called: SLC26A4-related condition; SLC26A4-related disorders.
Rare genetic deafness. Identifiers: Orphanet 96210, MedGen C5680250.
Autosomal recessive nonsyndromic hearing loss 4 (DFNB4). Also called: Deafness, autosomal recessive 4, with enlarged vestibular aqueduct; DEAFNESS, AUTOSOMAL RECESSIVE 4, WITH ENLARGED VESTIBULAR AQUEDUCT, DIGENIC; Deafness, autosomal recessive 4; FOXI1-Related Pendred Syndrome; KCNJ10-Related Pendred Syndrome; Enlarged vestibular aqueduct, digenic. Identifiers: Orphanet 90636, MedGen C3538946, MONDO:0010933, OMIM 600791.
Pendred syndrome (PDS). Also called: DEAFNESS WITH GOITER; GOITER-DEAFNESS SYNDROME; HYPOTHYROIDISM, CONGENITAL, DUE TO DYSHORMONOGENESIS, 2B; Pendred's syndrome; Pendred Syndrome (PDS); THYROID DYSHORMONOGENESIS 2B. Identifiers: Orphanet 705, MedGen C0271829, MONDO:0010134, OMIM 274600.

Allele frequency attached by ClinVar (database versions not stated): gnomAD exomes below 0.00001.
gnomAD v4.1: 1 of 1,576,020 alleles (0.000063%); highest among the groups gnomAD compares: Non-Finnish European, 0.000087%; no homozygotes.

Submissions (9):

Labcorp Genetics (formerly Invitae), Labcorp
Classification: Likely pathogenic. Last evaluated: 2025-05-11. Review status: criteria provided, single submitter. Criteria: Invitae Variant Classification Sherloc (09022015). Collection method: clinical testing. Allele origin: germline.
Comment: This sequence change affects a donor splice site in intron 12 of the SLC26A4 gene. It is expected to disrupt RNA splicing. Variants that disrupt the donor or acceptor splice site typically lead to a loss of protein function (PMID: 16199547), and loss-of-function variants in SLC26A4 are known to be pathogenic (PMID: 16283880, 25394566, 26252218, 26445815). This variant is not present in population databases (gnomAD no frequency). This variant has not been reported in the literature in individuals affected with SLC26A4-related conditions. ClinVar contains an entry for this variant (Variation ID: 43508). Algorithms developed to predict the effect of sequence changes on RNA splicing suggest that this variant may disrupt the consensus splice site. In summary, the currently available evidence indicates that the variant is pathogenic, but additional data are needed to prove that conclusively. Therefore, this variant has been classified as Likely Pathogenic.

Revvity Omics, Revvity
Classification: Pathogenic. Last evaluated: 2025-03-19. Review status: criteria provided, single submitter. Criteria: ACMG Guidelines, 2015. Collection method: clinical testing. Allele origin: germline.

Fulgent Genetics
Classification: Likely pathogenic for Pendred syndrome; Autosomal recessive nonsyndromic hearing loss 4. Last evaluated: 2024-02-07. Review status: criteria provided, single submitter. Criteria: ACMG Guidelines, 2015. Collection method: clinical testing. Allele origin: germline.

PreventionGenetics, part of Exact Sciences
Classification: Likely pathogenic for SLC26A4-related condition. Last evaluated: 2023-08-22. Review status: criteria provided, single submitter. Criteria: ACMG Guidelines, 2015. Collection method: clinical testing. Allele origin: germline.
Comment: The SLC26A4 c.1437+2T>G variant is predicted to disrupt the GT donor site and interfere with normal splicing. To our knowledge, this variant has not been reported in the literature or a large population database, indicating this variant is rare. Variants that disrupt the consensus splice donor site in SLC26A4 are expected to be pathogenic. This variant is interpreted as likely pathogenic.

Baylor Genetics
Classification: Pathogenic for Autosomal recessive nonsyndromic hearing loss 4. Last evaluated: 2023-05-25. Review status: criteria provided, single submitter. Criteria: ACMG Guidelines, 2015. Collection method: clinical testing. Allele origin: unknown.

Genome-Nilou Lab
Classification: Likely pathogenic for Autosomal recessive nonsyndromic hearing loss 4. Last evaluated: 2021-09-05. Review status: criteria provided, single submitter. Criteria: ACMG Guidelines, 2015. Collection method: clinical testing. Allele origin: germline. Affected: no.

Genome-Nilou Lab
Classification: Likely pathogenic for Pendred syndrome. Last evaluated: 2021-09-05. Review status: criteria provided, single submitter. Criteria: ACMG Guidelines, 2015. Collection method: clinical testing. Allele origin: germline. Affected: no.

Laboratory for Molecular Medicine, Mass General Brigham Personalized Medicine
Classification: Pathogenic for Rare genetic deafness. Last evaluated: 2012-07-25. Review status: criteria provided, single submitter. Criteria: LMM Criteria. Collection method: clinical testing. Allele origin: germline. Inheritance: Autosomal recessive inheritance. Observed: 2 variant alleles.
Comment: The 1437+2T>G variant in SLC26A4 has not been reported in the literature nor pre viously identified by our laboratory. This variant occurs in the invariant regio n (+/- 1/2) of the splice consensus sequence and is predicted to cause altered s plicing leading to an abnormal or absent protein. In summary, this variant meets our criteria to be classified as pathogenic.

Counsyl
Classification: Likely pathogenic for Pendred syndrome. Last evaluated: 2016-04-13. Review status: no assertion criteria provided. Collection method: clinical testing. Allele origin: unknown. Not counted in ClinVar's aggregate classification.

Literature cited by the submitters: PubMed 16199547 (cited by Labcorp Genetics (formerly Invitae), Labcorp); PubMed 16283880 (cited by Labcorp Genetics (formerly Invitae), Labcorp); PubMed 25394566 (cited by Labcorp Genetics (formerly Invitae), Labcorp); PubMed 26252218 (cited by Labcorp Genetics (formerly Invitae), Labcorp); PubMed 26445815 (cited by Labcorp Genetics (formerly Invitae), Labcorp).